The following is an entry in ClinVar:

ClinVar aggregate classification (germline): Uncertain significance (1 of 4 stars; one submission).

Conditions:
Ventricular septal defect. Identifiers: MedGen C0018818, MONDO:0002070, HP:0001629.
Global developmental delay (DD). Also called: Cognitive delay. Identifiers: MedGen C0557874, HP:0001263. Disease mechanism: loss of function.
Decreased body weight. Identifiers: MedGen C5574742, HP:0004325.
Facial asymmetry. Also called: Asymmetric Face. Identifiers: MedGen C1306710, HP:0000324.
Strabismus. Identifiers: MedGen C0038379, MONDO:0003432, HP:0000486.
Single transverse palmar crease. Identifiers: MedGen C0424731, HP:0000954.
Short stature. Identifiers: MedGen C0349588, HP:0004322.

Submission:

Centre for Mendelian Genomics, University Medical Centre Ljubljana
Classification: Uncertain significance for Facial asymmetry; Strabismus; Single transverse palmar crease; Global developmental delay; Ventricular septal defect; Short stature; Decreased body weight. Last evaluated: 2019-10-27. Review status: criteria provided, single submitter. Criteria: ACMG guidelines, Richards 2015. Collection method: clinical testing. Allele origin: germline. Affected: yes.
Comment: This variant was classified as: Uncertain significance. The available evidence on this varinat's pathogenicity is insufficient or conflicting. The following ACMG criteria were applied in classifying this variant: BP4. This variant was detected in heterozygous state.

NM_001999.4(FBN2):c.7663A>G (p.Thr2555Ala)

Gene: FBN2 (fibrillin 2; minus strand). Cytogenetic location: 5q23.3.
Variant type: single nucleotide variant.
Coding change: c.7663A>G on transcript NM_001999.4 (MANE Select); coding-DNA position 7663, A replaced by G.
Protein change: p.Thr2555Ala; replaces threonine 2555 with alanine.
Molecular consequence: missense variant.
Genome position (GRCh38, 1-based): chr5:128,274,615, T>C on the plus strand (A>G on the coding strand, the complement: FBN2 is on the minus strand). VCF-style: chr5-128274615-T-C. GRCh37 (hg19) VCF-style: chr5-127610307-T-C.
Other names: short protein forms T2555A.
Identifiers: ClinVar variation 978558 (VCV000978558.2), dbSNP rs1765343397, ClinGen allele CA360753225.